The following is an entry in ClinVar:

ClinVar aggregate classification (germline): Pathogenic (1 of 4 stars; one submission).

Conditions:
Duchenne muscular dystrophy (DMD). Also called: MUSCULAR DYSTROPHY, PSEUDOHYPERTROPHIC PROGRESSIVE, DUCHENNE TYPE; Duchenne Muscular Dystrophy (DMD). Identifiers: Orphanet 98896, MedGen C0013264, MONDO:0010679, OMIM 310200.

Submission:

Labcorp Genetics (formerly Invitae), Labcorp
Classification: Pathogenic for Duchenne muscular dystrophy. Last evaluated: 2019-02-25. Review status: criteria provided, single submitter. Criteria: Invitae Variant Classification Sherloc (09022015). Collection method: clinical testing. Allele origin: germline.
Comment: This variant is an out-of-frame deletion of the genomic region encompassing exons 46-51 of the DMD gene. This creates a premature translational stop signal and is expected to result in an absent or disrupted protein product. Deletions encompassing the same exons have been reported in individuals affected with Duchenne muscular dystrophy (PMID: 11257468, 9007319, 9800909). Loss-of-function variants in DMD are known to be pathogenic (PMID: 16770791). For these reasons, this variant has been classified as Pathogenic.

Literature cited by the submitters: PubMed 9007319; PubMed 9800909; PubMed 11257468.

NC_000023.11:g.(?_31773950)_(31965029_?)del

Genes: DMD (dystrophin; minus strand), LOC129391296 (MPRA-validated peak7373 silencer; plus strand). Cytogenetic location: Xp21.1.
Variant type: Deletion.
Identifiers: ClinVar variation 657380 (VCV000657380.2).